The following is an entry in ClinVar:

ClinVar aggregate classification (germline): Uncertain significance (1 of 4 stars; one submission).

Conditions:
UBR3-related disorder. Also called: UBR3-related condition.

Submission:

PreventionGenetics, part of Exact Sciences
Classification: Uncertain significance for UBR3-related condition. Last evaluated: 2023-05-15. Review status: criteria provided, single submitter. Criteria: ACMG Guidelines, 2015. Collection method: clinical testing. Allele origin: germline.
Comment: The UBR3 c.613_614delAT variant is predicted to result in a frameshift and premature protein termination (p.Met205Valfs*2). To our knowledge, this variant has not been reported in the literature or in a large population database, indicating this variant is rare. Loss-of-function has not been established as a disease mechanism for this gene, and therefore the clinical significance of this variant is currently uncertain due to the absence of conclusive functional and genetic evidence.

NM_172070.4(UBR3):c.613_614del (p.Met205fs)

Gene: UBR3 (ubiquitin protein ligase E3 component n-recognin 3; plus strand). Cytogenetic location: 2q31.1.
Variant type: Deletion.
Coding change: c.613_614del on transcript NM_172070.4 (MANE Select); coding-DNA positions 613 to 614, 2 bases deleted (AT; older notation c.613_614delAT).
Protein change: p.Met205fs; shifts the reading frame from methionine 205.
Molecular consequence: frameshift variant.
Genome position (GRCh38, 1-based): chr2:169,872,303-169,872,304, AT deleted. VCF-style (leftmost placement, unchanged base first): chr2-169872302-GAT-G. GRCh37 (hg19) VCF-style: chr2-170728812-GAT-G.
Other names: short protein forms M205fs.
Identifiers: ClinVar variation 2632750 (VCV002632750.1), dbSNP rs2528922100, ClinGen allele CA2695197078.